The following is an entry in ClinVar:

ClinVar aggregate classification (germline): Likely benign (1 of 4 stars; one submission).

Conditions:
Luo-Schoch-Yamamoto syndrome. Identifiers: MedGen C5561946, MONDO:0859171, OMIM 619460.

Submission:

Institute of Human Genetics, University of Leipzig Medical Center
Classification: Likely benign for Luo-Schoch-Yamamoto syndrome. Last evaluated: 2022-06-20. Review status: criteria provided, single submitter. Criteria: ACMG Guidelines, 2015. Collection method: clinical testing. Allele origin: maternal. Inheritance: Autosomal dominant inheritance. Affected: yes.
Comment: Criteria applied: BS1, PM2_SUP

NM_007212.4(RNF2):c.658_659insC (p.Met220fs)

Gene: RNF2 (ring finger protein 2; plus strand). Cytogenetic location: 1q25.3.
Variant type: Insertion.
Coding change: c.658_659insC on transcript NM_007212.4 (MANE Select); coding-DNA positions 658 to 659, C inserted.
Protein change: p.Met220fs; shifts the reading frame from methionine 220.
Molecular consequence: frameshift variant.
Genome position: GRCh38 VCF-style: chr1-185098265-A-AC. GRCh37 (hg19) VCF-style: chr1-185067397-A-AC.
Other names: short protein forms M220fs.
Identifiers: ClinVar variation 2500330 (VCV002500330.2), dbSNP rs2526097000, ClinGen allele CA2580061648.
Genomic context (GRCh38, chr1:185,098,265, plus strand): 5'-TCTGATGATTCTGGGCTAGAGCTTGATAATAACAATGCAGCAATGGCAATTGATCCAGTA[A>AC]TGGATGGTGCTAGTGAAATTGAATTAGTATTCAGGCCTCATCCCACACTTATGGAAAAAG-3'